The following is an entry in ClinVar:

ClinVar aggregate classification (germline): Uncertain significance (1 of 4 stars; one submission).

Conditions:
Charcot-Marie-Tooth disease type 4. Also called: Charcot-Marie-Tooth disease, type IV; Charcot-Marie-Tooth, Type 4. Identifiers: Orphanet 64749, MedGen C4082197, MONDO:0018995.

gnomAD v4.1: 8 of 1,614,078 alleles (0.0005%); highest among the groups gnomAD compares: Non-Finnish European, 0.00068%; no homozygotes.

Submission:

Labcorp Genetics (formerly Invitae), Labcorp
Classification: Uncertain significance for Charcot-Marie-Tooth disease type 4. Last evaluated: 2022-07-05. Review status: criteria provided, single submitter. Criteria: Invitae Variant Classification Sherloc (09022015). Collection method: clinical testing. Allele origin: germline.
Comment: In summary, the available evidence is currently insufficient to determine the role of this variant in disease. Therefore, it has been classified as a Variant of Uncertain Significance. Algorithms developed to predict the effect of missense changes on protein structure and function are either unavailable or do not agree on the potential impact of this missense change (SIFT: "Tolerated"; PolyPhen-2: "Possibly Damaging"; Align-GVGD: "Class C0"). ClinVar contains an entry for this variant (Variation ID: 1441853). This variant has not been reported in the literature in individuals affected with PRX-related conditions. This variant is present in population databases (rs755014286, gnomAD 0.005%). This sequence change replaces lysine, which is basic and polar, with glutamic acid, which is acidic and polar, at codon 749 of the PRX protein (p.Lys749Glu).

NM_181882.3(PRX):c.2245A>G (p.Lys749Glu)

Gene: PRX (periaxin; minus strand). Cytogenetic location: 19q13.2.
Variant type: single nucleotide variant.
Coding change: c.2245A>G on transcript NM_181882.3 (MANE Select); coding-DNA position 2245, A replaced by G.
Protein change: p.Lys749Glu; replaces lysine 749 with glutamic acid.
Molecular consequence: missense variant. On other transcripts: 3 prime UTR variant (1).
Genome position (GRCh38, 1-based): chr19:40,396,107, T>C on the plus strand (A>G on the coding strand, the complement: PRX is on the minus strand). VCF-style: chr19-40396107-T-C. GRCh37 (hg19) VCF-style: chr19-40902014-T-C.
Other names: c.*2450A>G (NM_020956.2); short protein forms K749E.
Identifiers: ClinVar variation 1441853 (VCV001441853.8), dbSNP rs755014286, ClinGen allele CA9444102.
Genomic context (GRCh38, chr19:40,396,107, plus strand): 5'-GAAGATGCACGTCGGGAACCTTCGGCACTTGCATTTCCGGCAGCCGAATCTCTGACACTT[T>C]CGGCAGCTGCACCTCGGGGAGGTGCACATCGGGCACAGCCATCTCAGGCACCTTGGGGAG-3'
Protein context (NP_870998.2, residues 739-759): DVHLPEVQLP[Lys749Glu]VSEIRLPEMQ